The following is an entry in ClinVar:

ClinVar aggregate classification (germline): Uncertain significance (1 of 4 stars; one submission).

Conditions:
Colorectal cancer, hereditary nonpolyposis, type 7. Identifiers: Orphanet 144, MedGen C1858380, MONDO:0013725, OMIM 614385.

Allele frequency attached by ClinVar (database versions not stated): gnomAD exomes below 0.00001; ExAC 0.00001; TOPMed 0.00003.
gnomAD v4.1: 3 of 1,614,044 alleles (0.00019%); highest among the groups gnomAD compares: East Asian, 0.0067%; no homozygotes.

Submission:

Labcorp Genetics (formerly Invitae), Labcorp
Classification: Uncertain significance for Colorectal cancer, hereditary nonpolyposis, type 7. Last evaluated: 2023-03-03. Review status: criteria provided, single submitter. Criteria: Invitae Variant Classification Sherloc (09022015). Collection method: clinical testing. Allele origin: germline.
Comment: This sequence change replaces serine, which is neutral and polar, with glycine, which is neutral and non-polar, at codon 495 of the MLH3 protein (p.Ser495Gly). This variant is present in population databases (rs772171489, gnomAD 0.01%). This variant has not been reported in the literature in individuals affected with MLH3-related conditions. An algorithm developed to predict the effect of missense changes on protein structure and function (PolyPhen-2) suggests that this variant is likely to be tolerated. In summary, the available evidence is currently insufficient to determine the role of this variant in disease. Therefore, it has been classified as a Variant of Uncertain Significance.

NM_001040108.2(MLH3):c.1483A>G (p.Ser495Gly)

Gene: MLH3 (mutL homolog 3; minus strand). Cytogenetic location: 14q24.3.
Variant type: single nucleotide variant.
Coding change: c.1483A>G on transcript NM_001040108.2 (MANE Select); coding-DNA position 1483, A replaced by G.
Protein change: p.Ser495Gly; replaces serine 495 with glycine.
Molecular consequence: missense variant.
Genome position (GRCh38, 1-based): chr14:75,048,173, T>C on the plus strand (A>G on the coding strand, the complement: MLH3 is on the minus strand). VCF-style: chr14-75048173-T-C. GRCh37 (hg19) VCF-style: chr14-75514876-T-C.
Other names: c.1483A>G, p.Ser495Gly (NM_014381.3); short protein forms S495G.
Identifiers: ClinVar variation 2728025 (VCV002728025.3), dbSNP rs772171489, ClinGen allele CA7275864.
Genomic context (GRCh38, chr14:75,048,173, plus strand): 5'-GTGTCTGAAAAGGGCTTAAAAACATTTCTAAACTGGTTCCACACGGATTTTCTAAAGAGC[T>C]ATGTTCCAGGAAAGATTTTTTATGTTTCTCATTTTCTCCAGCTTCTGATGCTACAATTGT-3'
Protein context (NP_001035197.1, residues 485-505): EKHKKSFLEH[Ser495Gly]SLENPCGTSL